The following is an entry in ClinVar:

NM_000548.5(TSC2):c.1019_1022dup (p.Ile342fs)

Gene: TSC2 (TSC complex subunit 2; plus strand). Cytogenetic location: 16p13.3.
Variant type: Duplication.
Coding change: c.1019_1022dup on transcript NM_000548.5 (MANE Select); coding-DNA positions 1019 to 1022, 4 bases duplicated (TGTC; older notation c.1019_1022dupTGTC).
Protein change: p.Ile342fs; shifts the reading frame from isoleucine 342.
Molecular consequence: frameshift variant. On other transcripts: 5 prime UTR variant (10), non-coding transcript variant (5).
Genome position (GRCh38, 1-based): chr16:2,060,713-2,060,716, TGTC duplicated; duplicating any 4 consecutive bases within chr16:2,060,712-2,060,716 gives the same sequence; the c. name uses the placement nearest the transcript's 3' end. VCF-style (leftmost placement, unchanged base first): chr16-2060711-C-CCTGT. GRCh37 (hg19) VCF-style: chr16-2110712-C-CCTGT.
Other names: c.1019_1022dup, p.Ile342fs (NM_001077183.3, NM_001114382.3, NM_001363528.2 and 6 more transcripts); c.908_911dup, p.Ile305fs (NM_001318827.2, NM_001406670.1, NM_001406678.1); c.872_875dup, p.Ile293fs (NM_001318829.2, NM_001406675.1, NM_001406676.1 and 1 more transcripts); c.419_422dup, p.Ile142fs (NM_001318831.2, NM_001406680.1, NM_001406682.1 and 6 more transcripts); c.1052_1055dup, p.Ile353fs (NM_001318832.2); c.1109_1112dup, p.Ile372fs (NM_001406667.1, NM_001406668.1); c.1007_1010dup, p.Ile338fs (NM_001406671.1, NM_001406673.1); c.962_965dup, p.Ile323fs (NM_001406677.1); and 4 more; short protein forms I142fs, I188fs, I293fs, I305fs, I323fs, I338fs, I342fs, I353fs.
Identifiers: ClinVar variation 3370394 (VCV003370394.2).

ClinVar aggregate classification (germline): Pathogenic (0 of 4 stars; one submission).

Conditions:
Tuberous sclerosis 2 (TSC2). Identifiers: Orphanet 805, MedGen C1860707, MONDO:0013199, OMIM 613254.

Submission:

CGC Genetics, Unilabs
Classification: Pathogenic for Tuberous sclerosis 2. Last evaluated: 2024-10-31. Review status: no assertion criteria provided. Collection method: clinical testing. Allele origin: unknown. Inheritance: Autosomal dominant inheritance. Affected: yes. Observed: 1 heterozygote.
Comment: The variant NM_000548.5:c.1019_1022dup p.(Ile342Cysfs*10), detected in heterozygosity in the TSC2 gene, has not been described in the literature nor in gnomAD at the time of this submission. This is a frameshift variant that introduces a premature stop codon, which is predicted to lead to the creation of a truncated protein and/or a reduction of its expression by mRNA degradation. With the available information, this variant is classified as pathogenic with the following ACMG codes: PM2_supp, PVS1, PP4_strong.